The following is an entry in ClinVar:

ClinVar aggregate classification (germline): Uncertain significance (1 of 4 stars; one submission).

Conditions:
Primary ciliary dyskinesia. Also called: Ciliary dyskinesia. Identifiers: Orphanet 244, MedGen C0008780, MONDO:0016575, HP:0012265.

Allele frequency attached by ClinVar (database versions not stated): gnomAD exomes below 0.00001; TOPMed below 0.00001.
gnomAD v4.1: 1 of 1,613,962 alleles (0.000062%); highest among the groups gnomAD compares: Non-Finnish European, 0.000085%; no homozygotes.

Submission:

Labcorp Genetics (formerly Invitae), Labcorp
Classification: Uncertain significance for Primary ciliary dyskinesia. Last evaluated: 2021-08-31. Review status: criteria provided, single submitter. Criteria: Invitae Variant Classification Sherloc (09022015). Collection method: clinical testing. Allele origin: germline.
Comment: This sequence change replaces isoleucine with valine at codon 137 of the DRC1 protein (p.Ile137Val). The isoleucine residue is highly conserved and there is a small physicochemical difference between isoleucine and valine. This variant is not present in population databases (ExAC no frequency). This variant has not been reported in the literature in individuals affected with DRC1-related conditions. Algorithms developed to predict the effect of missense changes on protein structure and function are either unavailable or do not agree on the potential impact of this missense change (SIFT: "Tolerated"; PolyPhen-2: "Probably Damaging"; Align-GVGD: "Class C0"). In summary, the available evidence is currently insufficient to determine the role of this variant in disease. Therefore, it has been classified as a Variant of Uncertain Significance.

NM_145038.5(DRC1):c.409A>G (p.Ile137Val)

Gene: DRC1 (dynein regulatory complex subunit 1; plus strand). Cytogenetic location: 2p23.3.
Variant type: single nucleotide variant.
Coding change: c.409A>G on transcript NM_145038.5 (MANE Select); coding-DNA position 409, A replaced by G.
Protein change: p.Ile137Val; replaces isoleucine 137 with valine.
Molecular consequence: missense variant.
Genome position (GRCh38, 1-based): chr2:26,424,323, A>G. VCF-style: chr2-26424323-A-G. GRCh37 (hg19) VCF-style: chr2-26647191-A-G.
Other names: short protein forms I137V.
Identifiers: ClinVar variation 1040529 (VCV001040529.6), dbSNP rs1333711600, ClinGen allele CA346098994.